The following is an entry in ClinVar:

NM_002471.4(MYH6):c.5632A>G (p.Lys1878Glu)

Gene: MYH6 (myosin heavy chain 6; minus strand). Cytogenetic location: 14q11.2.
Variant type: single nucleotide variant.
Coding change: c.5632A>G on transcript NM_002471.4 (MANE Select); coding-DNA position 5632, A replaced by G.
Protein change: p.Lys1878Glu; replaces lysine 1878 with glutamic acid.
Molecular consequence: missense variant.
Genome position (GRCh38, 1-based): chr14:23,383,254, T>C on the plus strand (A>G on the coding strand, the complement: MYH6 is on the minus strand). VCF-style: chr14-23383254-T-C. GRCh37 (hg19) VCF-style: chr14-23852463-T-C.
Other names: short protein forms K1878E.
Identifiers: ClinVar variation 3906381 (VCV003906381.2).
Genomic context (GRCh38, chr14:23,383,254, plus strand): 5'-GATGAGAAAGGGAAGAAAGCTCTGAACTCACCGCCTCCTCGGCCTGGCGCTTGTAGGCCT[T>C]GACCTTCAGTTGCAGCTTGTCCACCAGGTCCTGTAGCCGCAGCAGGTTCTTTTTGTCTTC-3'
Protein context (NP_002462.2, residues 1868-1888): DLVDKLQLKV[Lys1878Glu]AYKRQAEEAE

ClinVar aggregate classification (germline): Uncertain significance. Review status: criteria provided, multiple submitters, no conflicts (2 of 4 stars). 2 submissions from 2 submitters: Uncertain significance (2). Last evaluated 2025-03-31.

Conditions:
Cardiovascular phenotype. Identifiers: MedGen CN230736.

gnomAD v4.1: 2 of 1,582,028 alleles (0.00013%); highest among the groups gnomAD compares: African/African-American, 0.0028%; no homozygotes.

Submissions (2):

Ambry Genetics
Classification: Uncertain significance for Cardiovascular phenotype. Last evaluated: 2025-03-31. Review status: criteria provided, single submitter. Criteria: Ambry Variant Classification Scheme 2023. Collection method: clinical testing. Allele origin: germline.

GeneDx
Classification: Uncertain significance. Last evaluated: 2024-12-20. Review status: criteria provided, single submitter. Criteria: GeneDx Variant Classification Process June 2021. Collection method: clinical testing. Allele origin: germline. Affected: yes.
Comment: Not observed at significant frequency in large population cohorts (gnomAD); In silico analysis indicates that this missense variant does not alter protein structure/function; Has not been previously published as pathogenic or benign to our knowledge